The following is an entry in ClinVar:

ClinVar aggregate classification (germline): Benign (0 of 4 stars; one submission).

Conditions:
XIST-related disorder. Also called: XIST-related condition.

Allele frequency attached by ClinVar (database versions not stated): ExAC 0.01096; 1000 Genomes Project 0.07311.

Submission:

PreventionGenetics, part of Exact Sciences
Classification: Benign for XIST-related condition. Last evaluated: 2019-05-07. Review status: no assertion criteria provided. Collection method: clinical testing. Allele origin: germline.
Comment: This variant is classified as benign based on ACMG/AMP sequence variant interpretation guidelines (Richards et al. 2015 PMID: 25741868, with internal and published modifications).

NR_001564.3(XIST):n.610A>T

Gene: XIST (X inactive specific transcript; minus strand). Cytogenetic location: Xq13.2.
Variant type: single nucleotide variant.
Genome position: GRCh38 VCF-style: chrX-73852105-T-A. GRCh37 (hg19) VCF-style: chrX-73071940-T-A.
Identifiers: ClinVar variation 3037804 (VCV003037804.2), dbSNP rs765472519, ClinGen allele CA10454008.